The following is an entry in ClinVar:

ClinVar aggregate classification (germline): Uncertain significance (1 of 4 stars; one submission).

Conditions:
Weaver syndrome (WVS). Also called: Weaver Smith syndrome; Overgrowth syndrome with accelerated skeletal maturation, unusual facies, and camptodactyly. Identifiers: Orphanet 3447, MedGen C0265210, MONDO:0010193, OMIM 277590.

Submission:

Labcorp Genetics (formerly Invitae), Labcorp
Classification: Uncertain significance for Weaver syndrome. Last evaluated: 2025-06-09. Review status: criteria provided, single submitter. Criteria: Invitae Variant Classification Sherloc (09022015). Collection method: clinical testing. Allele origin: germline.
Comment: This sequence change falls in intron 9 of the EZH2 gene. It does not directly change the encoded amino acid sequence of the EZH2 protein. It affects a nucleotide within the consensus splice site. This variant is not present in population databases (gnomAD no frequency). This variant has not been reported in the literature in individuals affected with EZH2-related conditions. Variants that disrupt the consensus splice site are a relatively common cause of aberrant splicing (PMID: 17576681, 9536098). Algorithms developed to predict the effect of sequence changes on RNA splicing suggest that this variant is not likely to affect RNA splicing. In summary, the available evidence is currently insufficient to determine the role of this variant in disease. Therefore, it has been classified as a Variant of Uncertain Significance.

Literature cited by the submitters: PubMed 17576681; PubMed 9536098.

NM_004456.5(EZH2):c.999+6A>G

Gene: EZH2 (enhancer of zeste 2 polycomb repressive complex 2 subunit; minus strand). Cytogenetic location: 7q36.1.
Variant type: single nucleotide variant.
Coding change: c.999+6A>G on transcript NM_004456.5 (MANE Select); 6 bases into the intron after coding-DNA position 999, A replaced by G.
Molecular consequence: intron variant.
Genome position (GRCh38, 1-based): chr7:148,819,590, T>C on the plus strand (A>G on the coding strand, the complement: EZH2 is on the minus strand). VCF-style: chr7-148819590-T-C. GRCh37 (hg19) VCF-style: chr7-148516682-T-C.
Other names: c.867+6A>G (NM_152998.3); c.984+6A>G (NM_001203247.2); c.957+6A>G (NM_001203249.2, NM_001203248.2).
Identifiers: ClinVar variation 4721078 (VCV004721078.1).
Genomic context (GRCh38, chr7:148,819,590, plus strand): 5'-ATCACCTCCACCAAAGTGCAAAGTCCTCTCAAGTACCCTCTGCAATAATTAGGCACTAAG[T>C]CTTACCAAATGCTGGTAACACTGTGGTCCACAAGGTTTGTTGTCTAGAGCTGTTTCTGTG-3'